The following is an entry in ClinVar:

ClinVar aggregate classification (germline): Conflicting classifications of pathogenicity. Review status: criteria provided, conflicting classifications (1 of 4 stars). 2 submissions from 2 submitters: Uncertain significance (1); Likely benign (1). Last evaluated 2025-08-23.

Conditions:
Ellis-van Creveld syndrome (EVC). Also called: Chondroectodermal dysplasia; EVC-Related Ellis-van Creveld Syndrome; EVC2-Related Ellis-van Creveld Syndrome; MESOECTODERMAL DYSPLASIA. Identifiers: Orphanet 289, MedGen C0013903, MONDO:0009162, OMIM 225500.
Curry-Hall syndrome (WAD). Also called: WEYERS ACRODENTAL DYSOSTOSIS. Identifiers: Orphanet 952, MedGen C0457013, MONDO:0008673, OMIM 193530.
Inborn genetic diseases. Identifiers: MedGen C0950123, MeSH D030342.

Allele frequency attached by ClinVar (database versions not stated): gnomAD exomes 0.00001 and 0.00003; ExAC 0.00002; TOPMed 0.00002; gnomAD 0.00003.
gnomAD v4.1: 44 of 1,614,024 alleles (0.0027%); highest among the groups gnomAD compares: Non-Finnish European, 0.0033%; no homozygotes.

Submissions (2):

Ambry Genetics
Classification: Likely benign for Inborn genetic diseases. Last evaluated: 2025-08-23. Review status: criteria provided, single submitter. Criteria: Ambry Variant Classification Scheme 2023. Collection method: clinical testing. Allele origin: germline.

Labcorp Genetics (formerly Invitae), Labcorp
Classification: Uncertain significance for Curry-Hall syndrome; Ellis-van Creveld syndrome. Last evaluated: 2022-06-27. Review status: criteria provided, single submitter. Criteria: Invitae Variant Classification Sherloc (09022015). Collection method: clinical testing. Allele origin: germline.
Comment: This sequence change replaces phenylalanine, which is neutral and non-polar, with cysteine, which is neutral and slightly polar, at codon 525 of the EVC protein (p.Phe525Cys). This variant is present in population databases (rs771560788, gnomAD 0.003%). This variant has not been reported in the literature in individuals affected with EVC-related conditions. Algorithms developed to predict the effect of missense changes on protein structure and function output the following: SIFT: "Tolerated"; PolyPhen-2: "Benign"; Align-GVGD: "Class C0". The cysteine amino acid residue is found in multiple mammalian species, which suggests that this missense change does not adversely affect protein function. In summary, the available evidence is currently insufficient to determine the role of this variant in disease. Therefore, it has been classified as a Variant of Uncertain Significance.

NM_153717.3(EVC):c.1574T>G (p.Phe525Cys)

Gene: EVC (EvC ciliary complex subunit 1; plus strand). Cytogenetic location: 4p16.2.
Variant type: single nucleotide variant.
Coding change: c.1574T>G on transcript NM_153717.3 (MANE Select); coding-DNA position 1574, T replaced by G.
Protein change: p.Phe525Cys; replaces phenylalanine 525 with cysteine.
Molecular consequence: missense variant.
Genome position (GRCh38, 1-based): chr4:5,783,562, T>G. VCF-style: chr4-5783562-T-G. GRCh37 (hg19) VCF-style: chr4-5785289-T-G.
Other names: c.1574T>G (NM_153717.2); c.1574T>G, p.Phe525Cys (NM_001306090.2); short protein forms F525C.
Identifiers: ClinVar variation 1385146 (VCV001385146.7), dbSNP rs771560788, ClinGen allele CA2836187.